The following is an entry in ClinVar:

NM_003072.5(SMARCA4):c.983C>A (p.Pro328Gln)

Gene: SMARCA4 (SWI/SNF related BAF chromatin remodeling complex subunit ATPase 4; plus strand). Cytogenetic location: 19p13.2.
Variant type: single nucleotide variant.
Coding change: c.983C>A on transcript NM_003072.5 (MANE Select); coding-DNA position 983, C replaced by A.
Protein change: p.Pro328Gln; replaces proline 328 with glutamine.
Molecular consequence: missense variant. On other transcripts: non-coding transcript variant (1).
Genome position (GRCh38, 1-based): chr19:10,987,789, C>A. VCF-style: chr19-10987789-C-A. GRCh37 (hg19) VCF-style: chr19-11098465-C-A.
Other names: c.983C>A, p.Pro328Gln (NM_001128844.3, NM_001128845.2, NM_001128846.2 and 6 more transcripts); short protein forms P328Q.
Identifiers: ClinVar variation 1714943 (VCV001714943.4), dbSNP rs370097699, ClinGen allele CA404058575.

ClinVar aggregate classification (germline): Uncertain significance (1 of 4 stars; one submission).

Conditions:
Rhabdoid tumor predisposition syndrome 2 (RTPS2). Identifiers: Orphanet 231108, Orphanet 69077, MedGen C2750074, MONDO:0013224, OMIM 613325.

Submission:

Labcorp Genetics (formerly Invitae), Labcorp
Classification: Uncertain significance for Rhabdoid tumor predisposition syndrome 2. Last evaluated: 2022-08-03. Review status: criteria provided, single submitter. Criteria: Invitae Variant Classification Sherloc (09022015). Collection method: clinical testing. Allele origin: germline.
Comment: This sequence change replaces proline, which is neutral and non-polar, with glutamine, which is neutral and polar, at codon 328 of the SMARCA4 protein (p.Pro328Gln). This variant is not present in population databases (gnomAD no frequency). This variant has not been reported in the literature in individuals affected with SMARCA4-related conditions. Algorithms developed to predict the effect of missense changes on protein structure and function (SIFT, PolyPhen-2, Align-GVGD) all suggest that this variant is likely to be disruptive. In summary, the available evidence is currently insufficient to determine the role of this variant in disease. Therefore, it has been classified as a Variant of Uncertain Significance.